The following is an entry in ClinVar:

ClinVar aggregate classification (germline): Uncertain significance (1 of 4 stars; one submission).

Submission:

Women's Health and Genetics/Laboratory Corporation of America, LabCorp
Classification: Uncertain significance. Last evaluated: 2025-12-11. Review status: criteria provided, single submitter. Criteria: LabCorp Variant Classification Summary - May 2015. Collection method: clinical testing. Allele origin: germline.
Comment: Variant summary: SMARCC2 c.-3A>G is located in the untranslated mRNA region upstream of the initiation codon. The variant was absent in 189358 control chromosomes. The available data on variant occurrences in the general population are insufficient to allow any conclusion about variant significance. To our knowledge, no occurrence of c.-3A>G in individuals affected with SMARCC2-related conditions and no experimental evidence demonstrating its impact on protein function have been reported. No submitters have cited clinical-significance assessments for this variant to ClinVar. Based on the evidence outlined above, the variant was classified as uncertain significance.

NM_001330288.2(SMARCC2):c.-3A>G

Gene: SMARCC2 (SWI/SNF related BAF chromatin remodeling complex subunit C2; minus strand). Cytogenetic location: 12q13.2.
Variant type: single nucleotide variant.
Coding change: c.-3A>G on transcript NM_001330288.2 (MANE Select); 3 bases upstream of the start codon, A replaced by G.
Molecular consequence: 5 prime UTR variant.
Genome position (GRCh38, 1-based): chr12:56,189,464, T>C on the plus strand (A>G on the coding strand, the complement: SMARCC2 is on the minus strand). VCF-style: chr12-56189464-T-C. GRCh37 (hg19) VCF-style: chr12-56583248-T-C.
Other names: c.-3A>G (NM_001130420.3, NM_003075.5, NM_139067.4).
Identifiers: ClinVar variation 4688389 (VCV004688389.1).